The following is an entry in ClinVar:

ClinVar aggregate classification (germline): Uncertain significance (1 of 4 stars; one submission).

Conditions:
Melnick-Needles syndrome (MNS). Also called: MELNICK-NEEDLES OSTEODYSPLASTY; OSTEODYSPLASTY OF MELNICK AND NEEDLES; Melnick-Needles Syndrome (FLNA-MNS). Identifiers: Orphanet 2484, MedGen C0025237, MONDO:0010650, OMIM 309350.
Frontometaphyseal dysplasia (FMD1). Identifiers: Orphanet 1826, MedGen C0265293, MONDO:0015942.
Heterotopia, periventricular, X-linked dominant (PVNH1). Also called: PERIVENTRICULAR NODULAR HETEROTOPIA 1; X-linked periventricular heterotopia; PERIVENTRICULAR NODULAR HETEROTOPIA 4; HETEROTOPIA, PERIVENTRICULAR, 1. Identifiers: Orphanet 2149, Orphanet 82004, MedGen C1848213, MONDO:0010233, OMIM 300049.
Oto-palato-digital syndrome, type II (OPD2). Also called: FACIOPALATOOSSEOUS SYNDROME; OPD II SYNDROME; Otopalatodigital Syndrome, Type II; Otopalatodigital Syndrome Type 2 (FLNA-OPD2). Identifiers: Orphanet 669, Orphanet 90652, MedGen C1844696, MONDO:0010571, OMIM 304120.

Submission:

Labcorp Genetics (formerly Invitae), Labcorp
Classification: Uncertain significance for Oto-palato-digital syndrome, type II; Heterotopia, periventricular, X-linked dominant; Frontometaphyseal dysplasia; Melnick-Needles syndrome. Last evaluated: 2024-05-01. Review status: criteria provided, single submitter. Criteria: Invitae Variant Classification Sherloc (09022015). Collection method: clinical testing. Allele origin: germline.
Comment: This sequence change replaces proline, which is neutral and non-polar, with serine, which is neutral and polar, at codon 1226 of the FLNA protein (p.Pro1226Ser). This variant is not present in population databases (gnomAD no frequency). This variant has not been reported in the literature in individuals affected with FLNA-related conditions. Advanced modeling of protein sequence and biophysical properties (such as structural, functional, and spatial information, amino acid conservation, physicochemical variation, residue mobility, and thermodynamic stability) performed at Invitae indicates that this missense variant is not expected to disrupt FLNA protein function with a negative predictive value of 95%. In summary, the available evidence is currently insufficient to determine the role of this variant in disease. Therefore, it has been classified as a Variant of Uncertain Significance.

NM_001110556.2(FLNA):c.3676C>T (p.Pro1226Ser)

Gene: FLNA (filamin A; minus strand). Cytogenetic location: Xq28.
Variant type: single nucleotide variant.
Coding change: c.3676C>T on transcript NM_001110556.2 (MANE Select); coding-DNA position 3676, C replaced by T.
Protein change: p.Pro1226Ser; replaces proline 1226 with serine.
Molecular consequence: missense variant.
Genome position (GRCh38, 1-based): chrX:154,360,119, G>A on the plus strand (C>T on the coding strand, the complement: FLNA is on the minus strand). VCF-style: chrX-154360119-G-A. GRCh37 (hg19) VCF-style: chrX-153588487-G-A.
Other names: c.3676C>T, p.Pro1226Ser (NM_001456.4); short protein forms P1226S.
Identifiers: ClinVar variation 3753993 (VCV003753993.2).